The following continues an entry in ClinVar:

NM_000059.4(BRCA2):c.67+1G>T

Gene: BRCA2. ClinVar aggregate classification (germline): Pathogenic. Pathogenic (1).

Submissions 11 to 15 of 15:

Women's Health and Genetics/Laboratory Corporation of America, LabCorp
Classification: Pathogenic for Hereditary breast and ovarian cancer syndrome. Last evaluated: 2019-07-18. Review status: criteria provided, single submitter. Criteria: LabCorp Variant Classification Summary - May 2015. Collection method: clinical testing. Allele origin: germline. Not counted in ClinVar's aggregate classification.
Comment: Variant summary: BRCA2 c.67+1G>T is located in a canonical splice-site and is predicted to affect mRNA splicing resulting in a significantly altered protein due to either exon skipping, shortening, or inclusion of intronic material. Several computational tools predict a significant impact on normal splicing: Four predict that the variant abolishes a 5 splicing donor site. Experimental evidence demonstrates that this variant affects mRNA splicing by skipping of exon 2 completely (Fraile-Bethencourt_2019, Houdayer_2012). The variant was absent in 250582 control chromosomes (gnomAD). c.67+1G>T has been reported in the literature in individuals affected with Hereditary Breast and Ovarian Cancer (Meyer_2003, Rebbeck_2018, Zugazagoitia_2014). These data indicate that the variant is likely to be associated with disease. Five ClinVar submitters (evaluation after 2014) cite the variant as pathogenic. Based on the evidence outlined above, the variant was classified as pathogenic.

Consortium of Investigators of Modifiers of BRCA1/2 (CIMBA), c/o University of Cambridge
Classification: Pathogenic for Breast-ovarian cancer, familial, susceptibility to, 2. Last evaluated: 2015-10-02. Review status: criteria provided, single submitter. Criteria: CIMBA Mutation Classification guidelines May 2016. Collection method: clinical testing. Allele origin: germline. Not counted in ClinVar's aggregate classification.

Quest Diagnostics Nichols Institute San Juan Capistrano
Classification: Pathogenic. Last evaluated: 2015-01-28. Review status: criteria provided, single submitter. Criteria: Quest Diagnostics criteria. Collection method: clinical testing. Allele origin: germline. Not counted in ClinVar's aggregate classification.

Sharing Clinical Reports Project (SCRP)
Classification: Pathogenic for Breast-ovarian cancer, familial 2. Last evaluated: 2011-09-29. Review status: no assertion criteria provided. Collection method: clinical testing. Allele origin: germline. Not counted in ClinVar's aggregate classification.

Breast Cancer Information Core (BIC) (BRCA2)
Classification: Pathogenic for Breast-ovarian cancer, familial 2. Last evaluated: 2003-12-23. Review status: no assertion criteria provided. Collection method: clinical testing. Allele origin: germline. Affected: yes. Observed: 1 variant allele. Not counted in ClinVar's aggregate classification.

Literature cited by the submitters: PubMed 31131967 (cited by 3 submitters); PubMed 12938098 (cited by 6 submitters); PubMed 29446198 (cited by 4 submitters); PubMed 31706072 (cited by 4 submitters); PubMed 17011978 (cited by 3 submitters); PubMed 22505045 (cited by 5 submitters); PubMed 30883759 (cited by 4 submitters); PubMed 20104584 (cited by Labcorp Genetics (formerly Invitae), Labcorp); PubMed 21203900 (cited by Labcorp Genetics (formerly Invitae), Labcorp); PubMed 21769658 (cited by Labcorp Genetics (formerly Invitae), Labcorp); PubMed 24607278 (cited by Labcorp Genetics (formerly Invitae), Labcorp); PubMed 24916970 (cited by Labcorp Genetics (formerly Invitae), Labcorp); PubMed 24302565 (cited by Ambry Genetics); PubMed 25525159 (cited by Ambry Genetics); PubMed 28185119 (cited by Ambry Genetics); PubMed 35892882 (cited by Ambry Genetics and All of Us Research Program, National Institutes of Health); PubMed 8988179 (cited by All of Us Research Program, National Institutes of Health); PubMed 11897832 (cited by All of Us Research Program, National Institutes of Health); PubMed 31512090 (cited by All of Us Research Program, National Institutes of Health); PubMed 32438681 (cited by All of Us Research Program, National Institutes of Health); PubMed 32846166 (cited by All of Us Research Program, National Institutes of Health); PubMed 25342642 (cited by Color Diagnostics, LLC DBA Color Health and Women's Health and Genetics/Laboratory Corporation of America, LabCorp); PubMed 22762150 (cited by Women's Health and Genetics/Laboratory Corporation of America, LabCorp); PubMed 26295337 (cited by Quest Diagnostics Nichols Institute San Juan Capistrano).